The following is an entry in ClinVar:

NM_000094.4(COL7A1):c.8761A>G (p.Thr2921Ala)

Gene: COL7A1 (collagen type VII alpha 1 chain; minus strand). Cytogenetic location: 3p21.31.
Variant type: single nucleotide variant.
Coding change: c.8761A>G on transcript NM_000094.4 (MANE Select); coding-DNA position 8761, A replaced by G.
Protein change: p.Thr2921Ala; replaces threonine 2921 with alanine.
Molecular consequence: missense variant.
Genome position (GRCh38, 1-based): chr3:48,564,840, T>C on the plus strand (A>G on the coding strand, the complement: COL7A1 is on the minus strand). VCF-style: chr3-48564840-T-C. GRCh37 (hg19) VCF-style: chr3-48602273-T-C.
Other names: short protein forms T2921A.
Identifiers: ClinVar variation 1948592 (VCV001948592.2), dbSNP rs748201527, ClinGen allele CA2377883.

ClinVar aggregate classification (germline): Uncertain significance (1 of 4 stars; one submission).

Allele frequency attached by ClinVar (database versions not stated): ExAC 0.00001.

Submission:

Labcorp Genetics (formerly Invitae), Labcorp
Classification: Uncertain significance. Last evaluated: 2021-05-07. Review status: criteria provided, single submitter. Criteria: Invitae Variant Classification Sherloc (09022015). Collection method: clinical testing. Allele origin: germline.
Comment: This sequence change replaces threonine with alanine at codon 2921 of the COL7A1 protein (p.Thr2921Ala). The threonine residue is weakly conserved and there is a small physicochemical difference between threonine and alanine. This variant is present in population databases (rs748201527, ExAC 0.002%). This variant has not been reported in the literature in individuals with COL7A1-related conditions. Advanced modeling of protein sequence and biophysical properties (such as structural, functional, and spatial information, amino acid conservation, physicochemical variation, residue mobility, and thermodynamic stability) performed at Invitae indicates that this missense variant is not expected to disrupt COL7A1 protein function. In summary, the available evidence is currently insufficient to determine the role of this variant in disease. Therefore, it has been classified as a Variant of Uncertain Significance.